The following is an entry in ClinVar:

ClinVar aggregate classification (germline): Uncertain significance. Review status: criteria provided, multiple submitters, no conflicts (2 of 4 stars). 2 submissions from 2 submitters: Uncertain significance (2). Last evaluated 2023-09-03.

Conditions:
Legius syndrome. Identifiers: Orphanet 137605, MedGen C1969623, MONDO:0012669, OMIM 611431. Disease mechanism: loss of function.

Allele frequency attached by ClinVar (database versions not stated): gnomAD exomes 0.00001.

Submissions (2):

Women's Health and Genetics/Laboratory Corporation of America, LabCorp
Classification: Uncertain significance. Last evaluated: 2023-09-03. Review status: criteria provided, single submitter. Criteria: LabCorp Variant Classification Summary - May 2015. Collection method: clinical testing. Allele origin: germline.

Labcorp Genetics (formerly Invitae), Labcorp
Classification: Uncertain significance for Legius syndrome. Last evaluated: 2022-10-26. Review status: criteria provided, single submitter. Criteria: Invitae Variant Classification Sherloc (09022015). Collection method: clinical testing. Allele origin: germline.
Comment: This sequence change replaces aspartic acid, which is acidic and polar, with tyrosine, which is neutral and polar, at codon 270 of the SPRED1 protein (p.Asp270Tyr). This variant is present in population databases (no rsID available, gnomAD 0.01%). This variant has not been reported in the literature in individuals affected with SPRED1-related conditions. Advanced modeling of protein sequence and biophysical properties (such as structural, functional, and spatial information, amino acid conservation, physicochemical variation, residue mobility, and thermodynamic stability) performed at Invitae indicates that this missense variant is not expected to disrupt SPRED1 protein function. In summary, the available evidence is currently insufficient to determine the role of this variant in disease. Therefore, it has been classified as a Variant of Uncertain Significance.

NM_152594.3(SPRED1):c.808G>T (p.Asp270Tyr)

Gene: SPRED1 (sprouty related EVH1 domain containing 1; plus strand). Cytogenetic location: 15q14.
Variant type: single nucleotide variant.
Coding change: c.808G>T on transcript NM_152594.3 (MANE Select); coding-DNA position 808, G replaced by T.
Protein change: p.Asp270Tyr; replaces aspartic acid 270 with tyrosine.
Molecular consequence: missense variant.
Genome position (GRCh38, 1-based): chr15:38,351,137, G>T. VCF-style: chr15-38351137-G-T. GRCh37 (hg19) VCF-style: chr15-38643338-G-T.
Other names: short protein forms D270Y.
Identifiers: ClinVar variation 2627335 (VCV002627335.4), dbSNP rs1287650497, ClinGen allele CA391933295.
Genomic context (GRCh38, chr15:38,351,137, plus strand): 5'-CCTCGAGATATCTTAATACGTCGCTATGCAGACTACAGACATCCTGACATGTGGAAAAAT[G>T]ACTTGGAAAGAGATGATGCTGATTCCAGTATTCAGTTTTCTAAACCAGACAGTAAAAAAT-3'
Protein context (NP_689807.1, residues 260-280): DYRHPDMWKN[Asp270Tyr]LERDDADSSI